The following is an entry in ClinVar:

ClinVar aggregate classification (germline): Pathogenic/Likely pathogenic. Review status: criteria provided, multiple submitters, no conflicts (2 of 4 stars). 10 submissions from 10 submitters: Pathogenic (6); Likely pathogenic (1). 3 of the submissions do not count toward it. Last evaluated 2026-07-02.

Conditions:
KCNV2-related disorder. Also called: KCNV2-related condition.
Retinal dystrophy. Also called: Inherited retinal dystrophy. Identifiers: Orphanet 71862, MedGen C0854723, MeSH D058499, MONDO:0019118, HP:0000556.
Cone dystrophy with supernormal rod response (CDSRR). Also called: CONE DYSTROPHY WITH SUPERNORMAL ROD RESPONSES. Identifiers: Orphanet 209932, MedGen C1835897, MONDO:0012475, OMIM 610356.
Nystagmus. Identifiers: MedGen C0028738, MONDO:0004843, HP:0000639.
Abnormality of the nervous system. Also called: Congenital nervous system disorder. Identifiers: MedGen C0497552, MONDO:0002320, HP:0000707.

Allele frequency attached by ClinVar (database versions not stated): TOPMed 0.00015; ESP Exome Variant Server 0.00046.

Submissions (10):

PreventionGenetics, part of Exact Sciences
Classification: Pathogenic for KCNV2-related condition. Last evaluated: 2026-07-02. Review status: criteria provided, single submitter. Criteria: ACMG Guidelines, 2015. Collection method: clinical testing. Allele origin: germline.
Comment: The KCNV2 c.1381G>A variant is predicted to result in the amino acid substitution p.Gly461Arg. This variant has been reported in multiple individuals with autosomal recessive retinal cone dystrophy (Thiagalingam et al. 2007. PubMed ID: 17896311; Friedburg et al. 2011. PubMed ID: 21911584; Fujinami et al. 2013. PubMed ID: 23885164; Table S2, Weisschuh et al. 2020. PubMed ID: 32531858; Table S1, Lin et al. 2024. PubMed ID: 38219857). This variant is present in 0.024% of alleles in individuals of European (Non-Finnish) descent in gnomAD. Given the evidence, we interpret this variant as pathogenic.

Labcorp Genetics (formerly Invitae), Labcorp
Classification: Pathogenic. Last evaluated: 2026-01-27. Review status: criteria provided, single submitter. Criteria: Invitae Variant Classification Sherloc (09022015). Collection method: clinical testing. Allele origin: germline.
Comment: This sequence change replaces glycine, which is neutral and non-polar, with arginine, which is basic and polar, at codon 461 of the KCNV2 protein (p.Gly461Arg). This variant is present in population databases (rs149648640, gnomAD 0.03%). This missense change has been observed in individual(s) with cone dystrophy with supernormal rod electroretinogram (PMID: 17896311, 18400204). In at least one individual the data is consistent with being in trans (on the opposite chromosome) from a pathogenic variant. It has also been observed to segregate with disease in related individuals. ClinVar contains an entry for this variant (Variation ID: 37247). Invitae Evidence Modeling of protein sequence and biophysical properties (such as structural, functional, and spatial information, amino acid conservation, physicochemical variation, residue mobility, and thermodynamic stability) indicates that this missense variant is expected to disrupt KCNV2 protein function with a positive predictive value of 95%. Experimental studies have shown that this missense change affects KCNV2 function (PMID: 23115240). For these reasons, this variant has been classified as Pathogenic.

Blueprint Genetics
Classification: Pathogenic for KCNV2-related disorders. Last evaluated: 2024-10-14. Review status: criteria provided, single submitter. Criteria: ACMG Guidelines, 2015. Collection method: clinical testing. Allele origin: germline. Affected: yes. Observed: 5 variant alleles.

Institute of Medical Molecular Genetics, University of Zurich
Classification: Likely pathogenic for Cone dystrophy with supernormal rod response. Last evaluated: 2021-01-30. Review status: criteria provided, single submitter. Criteria: ACMG Guidelines, 2015. Collection method: clinical testing. Allele origin: germline. Affected: yes.

Institute of Human Genetics, Univ. Regensburg, Univ. Regensburg
Classification: Pathogenic for Retinal dystrophy. Last evaluated: 2021-01-01. Review status: criteria provided, single submitter. Criteria: ACMG Guidelines, 2015. Collection method: clinical testing. Allele origin: germline. Affected: yes.

Illumina Laboratory Services, Illumina
Classification: Pathogenic for Cone dystrophy with supernormal rod response. Last evaluated: 2018-10-23. Review status: criteria provided, single submitter. Criteria: ICSL Variant Classification Criteria 09 May 2019. Collection method: clinical testing. Allele origin: germline.
Comment: The KCNV2 c.1381G>A (p.Gly461Arg) missense variant has been reported in at least four studies in which it is found in a total of 15 individuals affected with retinal cone dystrophy including six homozygotes (three of whom are independent) and nine compound heterozygotes (eight of whom are indepedent) (Wissinger et al. 2008; Wissinger et al. 2011; Friedburg et al. 2011; Fujinami et al. 2013). The p.Gly461Arg variant was absent from a total of 159 controls (Wissinger et al. 2008; Wissinger et al. 2011) and is reported at a frequency of 0.00058 in the European American population of the Exome Sequencing Project. The variant is present in a conserved residue in the Gly-Tyr-Gly motif, an important functional domain in the pore region of the protein. Functional studies conducted in COS7 cells showed that the variant protein is trafficked to the membrane and likely forms heteromeric channels; however, current flow through these channels was reduced relative to that through those formed with the wild type form of the protein (Smith et al. 2012). Based on the collective evidence, the p.Gly461Arg variant is classified as pathogenic for retinal cone dystrophy. This variant was observed by ICSL as part of a predisposition screen in an ostensibly healthy population.

Knight Diagnostic Laboratories, Oregon Health and Sciences University
Classification: Pathogenic for Nystagmus; Abnormality of the nervous system. Last evaluated: 2018-01-24. Review status: criteria provided, single submitter. Criteria: ACMG Guidelines, 2015. Collection method: clinical testing. Allele origin: germline. Observed: 1 variant allele.

OMIM
Classification: drug response for CONE DYSTROPHY WITH SUPERNORMAL ROD RESPONSES. Last evaluated: 2011-12-01. Review status: no assertion criteria provided. Collection method: literature only. Allele origin: germline. Not counted in ClinVar's aggregate classification.

Clinical Genetics DNA and cytogenetics Diagnostics Lab, Erasmus MC, Erasmus Medical Center
Classification: Pathogenic. Review status: no assertion criteria provided. Collection method: clinical testing. Allele origin: germline. Affected: yes. Study: VKGL Data-share Consensus. Not counted in ClinVar's aggregate classification.

Joint Genome Diagnostic Labs from Nijmegen and Maastricht, Radboudumc and MUMC+
Classification: Pathogenic. Review status: no assertion criteria provided. Collection method: clinical testing. Allele origin: germline. Affected: yes. Study: VKGL Data-share Consensus. Not counted in ClinVar's aggregate classification.

Literature cited by the submitters: PubMed 17896311 (cited by Labcorp Genetics (formerly Invitae), Labcorp and Institute of Human Genetics, Univ. Regensburg, Univ. Regensburg); PubMed 18400204 (cited by Labcorp Genetics (formerly Invitae), Labcorp); PubMed 23115240 (cited by 3 submitters); PubMed 31589614 (cited by Institute of Human Genetics, Univ. Regensburg, Univ. Regensburg); PubMed 31964843 (cited by Institute of Human Genetics, Univ. Regensburg, Univ. Regensburg); PubMed 32508047 (cited by Institute of Human Genetics, Univ. Regensburg, Univ. Regensburg); PubMed 32531858 (cited by Institute of Human Genetics, Univ. Regensburg, Univ. Regensburg); PubMed 36284460 (cited by Institute of Human Genetics, Univ. Regensburg, Univ. Regensburg); PubMed 18235024 (cited by Illumina Laboratory Services, Illumina and OMIM); PubMed 23885164 (cited by Illumina Laboratory Services, Illumina); PubMed 21911584 (cited by Illumina Laboratory Services, Illumina); PubMed 21882291 (cited by Illumina Laboratory Services, Illumina and OMIM).

NM_133497.4(KCNV2):c.1381G>A (p.Gly461Arg)

Gene: KCNV2 (potassium voltage-gated channel modifier subfamily V member 2; plus strand). Cytogenetic location: 9p24.2.
Variant type: single nucleotide variant.
Coding change: c.1381G>A on transcript NM_133497.4 (MANE Select); coding-DNA position 1381, G replaced by A.
Protein change: p.Gly461Arg; replaces glycine 461 with arginine.
Molecular consequence: missense variant.
Genome position (GRCh38, 1-based): chr9:2,729,470, G>A. VCF-style: chr9-2729470-G-A. GRCh37 (hg19) VCF-style: chr9-2729470-G-A.
Other names: short protein forms G461R.
Identifiers: ClinVar variation 37247 (VCV000037247.27), dbSNP rs149648640, ClinGen allele CA4965905.